The following is an entry in ClinVar:

ClinVar aggregate classification (germline): Uncertain significance (1 of 4 stars; one submission).

Conditions:
Familial cancer of breast. Also called: hereditary breast carcinoma; BREAST CANCER, FAMILIAL; Hereditary breast cancer. Identifiers: Orphanet 227535, MedGen C0346153, MONDO:0016419, OMIM 114480. Disease mechanism: loss of function.

Submission:

Labcorp Genetics (formerly Invitae), Labcorp
Classification: Uncertain significance for Familial cancer of breast. Last evaluated: 2019-07-15. Review status: criteria provided, single submitter. Criteria: Invitae Variant Classification Sherloc (09022015). Collection method: clinical testing. Allele origin: germline.
Comment: In summary, the available evidence is currently insufficient to determine the role of this variant in disease. Therefore, it has been classified as a Variant of Uncertain Significance. Algorithms developed to predict the effect of missense changes on protein structure and function are either unavailable or do not agree on the potential impact of this missense change (SIFT: "Deleterious"; PolyPhen-2: "Benign"; Align-GVGD: "Class C0"). This variant has not been reported in the literature in individuals with BARD1-related conditions. This variant is not present in population databases (ExAC no frequency). This sequence change replaces lysine with threonine at codon 684 of the BARD1 protein (p.Lys684Thr). The lysine residue is highly conserved and there is a moderate physicochemical difference between lysine and threonine.

NM_000465.4(BARD1):c.2051A>C (p.Lys684Thr)

Gene: BARD1 (BRCA1 associated RING domain 1; minus strand). Cytogenetic location: 2q35.
Variant type: single nucleotide variant.
Coding change: c.2051A>C on transcript NM_000465.4 (MANE Select); coding-DNA position 2051, A replaced by C.
Protein change: p.Lys684Thr; replaces lysine 684 with threonine.
Molecular consequence: missense variant. On other transcripts: non-coding transcript variant (3).
Genome position (GRCh38, 1-based): chr2:214,728,959, T>G on the plus strand (A>C on the coding strand, the complement: BARD1 is on the minus strand). VCF-style: chr2-214728959-T-G. GRCh37 (hg19) VCF-style: chr2-215593683-T-G.
Other names: c.1994A>C, p.Lys665Thr (NM_001282543.2); c.698A>C, p.Lys233Thr (NM_001282545.2); c.641A>C, p.Lys214Thr (NM_001282548.2); c.512A>C, p.Lys171Thr (NM_001282549.2); short protein forms K233T, K214T, K684T, K171T, K665T.
Identifiers: ClinVar variation 945269 (VCV000945269.10), dbSNP rs780161956, ClinGen allele CA350450720.
Genomic context (GRCh38, chr2:214,728,959, plus strand): 5'-CTGAGGATCTGGCCCCCACCTGCAGTGACGAGCTTAATAAGGTTGTCCTTTGGATGGTGT[T>G]TGAAGGTTCCCCACAAATAGAAGTAGCATCCATCAAACAGCTTTGGCAACTGAAATAATG-3'
Protein context (NP_000456.2, residues 674-694): GCYFYLWGTF[Lys684Thr]HHPKDNLIKL